The following is an entry in ClinVar:

NM_001130438.3(SPTAN1):c.130T>C (p.Tyr44His)

Gene: SPTAN1 (spectrin alpha, non-erythrocytic 1; plus strand). Cytogenetic location: 9q34.11.
Variant type: single nucleotide variant.
Coding change: c.130T>C on transcript NM_001130438.3 (MANE Select); coding-DNA position 130, T replaced by C.
Protein change: p.Tyr44His; replaces tyrosine 44 with histidine.
Molecular consequence: missense variant.
Genome position (GRCh38, 1-based): chr9:128,566,870, T>C. VCF-style: chr9-128566870-T-C. GRCh37 (hg19) VCF-style: chr9-131329149-T-C.
Other names: c.130T>C, p.Tyr44His (NM_001195532.2, NM_001363759.2, NM_001363765.2 and 5 more transcripts); c.166T>C, p.Tyr56His (NM_001375312.2, NM_001375318.1); short protein forms Y56H, Y44H.
Identifiers: ClinVar variation 1975753 (VCV001975753.6), dbSNP rs2540900123, ClinGen allele CA375049706.

ClinVar aggregate classification (germline): Uncertain significance. Review status: criteria provided, multiple submitters, no conflicts (2 of 4 stars). 2 submissions from 2 submitters: Uncertain significance (2). Last evaluated 2022-06-17.

Conditions:
Inborn genetic diseases. Identifiers: MedGen C0950123, MeSH D030342.
Early-infantile DEE. Also called: Ohtahara syndrome; Early infantile epileptic encephalopathy; Early infantile epileptic encephalopathy with suppression bursts. Identifiers: Orphanet 1934, MedGen C0393706, MONDO:0800491.

Submissions (2):

Ambry Genetics
Classification: Uncertain significance for Inborn genetic diseases. Last evaluated: 2022-06-17. Review status: criteria provided, single submitter. Criteria: Ambry Variant Classification Scheme 2023. Collection method: clinical testing. Allele origin: germline.

Labcorp Genetics (formerly Invitae), Labcorp
Classification: Uncertain significance for Early-infantile DEE. Last evaluated: 2022-06-01. Review status: criteria provided, single submitter. Criteria: Invitae Variant Classification Sherloc (09022015). Collection method: clinical testing. Allele origin: germline.
Comment: This variant is not present in population databases (gnomAD no frequency). This sequence change replaces tyrosine, which is neutral and polar, with histidine, which is basic and polar, at codon 44 of the SPTAN1 protein (p.Tyr44His). This variant has not been reported in the literature in individuals affected with SPTAN1-related conditions. In summary, the available evidence is currently insufficient to determine the role of this variant in disease. Therefore, it has been classified as a Variant of Uncertain Significance. Algorithms developed to predict the effect of missense changes on protein structure and function are either unavailable or do not agree on the potential impact of this missense change (SIFT: "Tolerated"; PolyPhen-2: "Possibly Damaging"; Align-GVGD: "Class C0").